The following is an entry in ClinVar:

ClinVar aggregate classification (germline): Uncertain significance (1 of 4 stars; one submission).

Conditions:
Norman-Roberts syndrome (LIS2). Also called: Lissencephaly 2 (Norman-Roberts type). Identifiers: Orphanet 89844, MedGen C0796089, MONDO:0009760, OMIM 257320.
Familial temporal lobe epilepsy 7. Identifiers: Orphanet 101046, MedGen C4225327, MONDO:0014639, OMIM 616436.

gnomAD v4.1: 1 of 1,614,170 alleles (0.000062%); highest among the groups gnomAD compares: Non-Finnish European, 0.000085%; no homozygotes.

Submission:

Labcorp Genetics (formerly Invitae), Labcorp
Classification: Uncertain significance for Familial temporal lobe epilepsy 7; Norman-Roberts syndrome. Last evaluated: 2024-08-31. Review status: criteria provided, single submitter. Criteria: Invitae Variant Classification Sherloc (09022015). Collection method: clinical testing. Allele origin: germline.
Comment: This sequence change replaces serine, which is neutral and polar, with proline, which is neutral and non-polar, at codon 2155 of the RELN protein (p.Ser2155Pro). This variant is not present in population databases (gnomAD no frequency). This variant has not been reported in the literature in individuals affected with RELN-related conditions. Invitae Evidence Modeling of protein sequence and biophysical properties (such as structural, functional, and spatial information, amino acid conservation, physicochemical variation, residue mobility, and thermodynamic stability) indicates that this missense variant is not expected to disrupt RELN protein function with a negative predictive value of 80%. In summary, the available evidence is currently insufficient to determine the role of this variant in disease. Therefore, it has been classified as a Variant of Uncertain Significance.

NM_005045.4(RELN):c.6463T>C (p.Ser2155Pro)

Gene: RELN (reelin; minus strand). Cytogenetic location: 7q22.1.
Variant type: single nucleotide variant.
Coding change: c.6463T>C on transcript NM_005045.4 (MANE Select); coding-DNA position 6463, T replaced by C.
Protein change: p.Ser2155Pro; replaces serine 2155 with proline.
Molecular consequence: missense variant.
Genome position (GRCh38, 1-based): chr7:103,545,184, A>G on the plus strand (T>C on the coding strand, the complement: RELN is on the minus strand). VCF-style: chr7-103545184-A-G. GRCh37 (hg19) VCF-style: chr7-103185631-A-G.
Other names: c.6463T>C, p.Ser2155Pro (NM_173054.3); short protein forms S2155P.
Identifiers: ClinVar variation 3757760 (VCV003757760.2).
Genomic context (GRCh38, chr7:103,545,184, plus strand): 5'-CTTCGAAATCATCTTTGAGAAAATCAGGATTTTTGGTGCTTATTTTACAGGTTGGACCTG[A>G]GTAGCCAGGGTCACATATACATTTGGTTCCATTGATACAGCTCCCCTGTCCATTACACAT-3'
Protein context (NP_005036.2, residues 2145-2165): GTKCICDPGY[Ser2155Pro]GPTCKISTKN